The following is an entry in ClinVar:

ClinVar aggregate classification (germline): Uncertain significance. Review status: criteria provided, multiple submitters, no conflicts (2 of 4 stars). 2 submissions from 2 submitters: Uncertain significance (2). Last evaluated 2026-02-22.

gnomAD v4.1: 8 of 1,418,770 alleles (0.00056%); highest among the groups gnomAD compares: Admixed American, 0.0032%; no homozygotes.

Submissions (2):

GeneDx
Classification: Uncertain significance. Last evaluated: 2026-02-22. Review status: criteria provided, single submitter. Criteria: GeneDx Variant Classification Process June 2021. Collection method: clinical testing. Allele origin: germline.
Comment: In silico analysis suggests that this missense variant does not alter protein structure/function; Has not been previously published as pathogenic or benign to our knowledge

Mayo Clinic Laboratories, Mayo Clinic
Classification: Uncertain significance. Last evaluated: 2025-10-20. Review status: criteria provided, single submitter. Criteria: ACMG Guidelines, 2015. Collection method: clinical testing. Allele origin: germline. Observed: 1 variant allele.
Comment: BP4

NM_152416.4(NDUFAF6):c.35C>T (p.Pro12Leu)

Genes: NDUFAF6 (NADH:ubiquinone oxidoreductase complex assembly factor 6; plus strand), LOC113788297 (Sharpr-MPRA regulatory region 2014; plus strand). Cytogenetic location: 8q22.1.
Variant type: single nucleotide variant.
Coding change: c.35C>T on transcript NM_152416.4 (MANE Select); coding-DNA position 35, C replaced by T.
Protein change: p.Pro12Leu; replaces proline 12 with leucine.
Molecular consequence: missense variant. On other transcripts: 5 prime UTR variant (12), non-coding transcript variant (6), intron variant (7).
Genome position (GRCh38, 1-based): chr8:95,025,043, C>T. VCF-style: chr8-95025043-C-T. GRCh37 (hg19) VCF-style: chr8-96037271-C-T.
Other names: p.Pro12Leu; c.35C>T (NM_152416.2); c.-246C>T (NM_001330582.2, NM_001354521.2); c.-199C>T (NM_001354517.2); c.-418C>T (NM_001354518.2); c.-414C>T (NM_001354519.2); c.-763C>T (NM_001354527.2); c.-734C>T (NM_001354528.2); and 10 more; short protein forms P12L.
Identifiers: ClinVar variation 4541384 (VCV004541384.2).